The following is an entry in ClinVar:

NM_001374828.1(ARID1B):c.4876G>A (p.Asp1626Asn)

Gene: ARID1B (AT-rich interaction domain 1B; plus strand). Cytogenetic location: 6q25.3.
Variant type: single nucleotide variant.
Coding change: c.4876G>A on transcript NM_001374828.1 (MANE Select); coding-DNA position 4876, G replaced by A.
Protein change: p.Asp1626Asn; replaces aspartic acid 1626 with asparagine.
Molecular consequence: missense variant.
Genome position (GRCh38, 1-based): chr6:157,201,101, G>A. VCF-style: chr6-157201101-G-A. GRCh37 (hg19) VCF-style: chr6-157522235-G-A.
Other names: c.2377G>A, p.Asp793Asn (NM_001363725.2); c.4756G>A, p.Asp1586Asn (NM_001371656.1, NM_001374820.1); c.4717G>A, p.Asp1573Asn (NM_017519.3); c.4507G>A (NM_020732.3); short protein forms D1573N, D1586N, D1626N, D793N.
Identifiers: ClinVar variation 1676407 (VCV001676407.6), dbSNP rs1346882502, ClinGen allele CA366241995.

ClinVar aggregate classification (germline): Conflicting classifications of pathogenicity. Review status: criteria provided, conflicting classifications (1 of 4 stars). 3 submissions from 3 submitters: Uncertain significance (2); Likely benign (1). Last evaluated 2026-01-26.

Conditions:
Inborn genetic diseases. Identifiers: MedGen C0950123, MeSH D030342.

Allele frequency attached by ClinVar (database versions not stated): gnomAD exomes below 0.00001; gnomAD 0.00001.
gnomAD v4.1: 12 of 1,614,040 alleles (0.00074%); highest among the groups gnomAD compares: Admixed American, 0.0017%; no homozygotes.

Submissions (3):

Labcorp Genetics (formerly Invitae), Labcorp
Classification: Likely benign. Last evaluated: 2026-01-26. Review status: criteria provided, single submitter. Criteria: Invitae Variant Classification Sherloc (09022015). Collection method: clinical testing. Allele origin: germline.

GeneDx
Classification: Uncertain significance. Last evaluated: 2022-04-07. Review status: criteria provided, single submitter. Criteria: GeneDx Variant Classification Process June 2021. Collection method: clinical testing. Allele origin: germline. Affected: yes.
Comment: In silico analysis supports that this missense variant has a deleterious effect on protein structure/function; Has not been previously published as pathogenic or benign to our knowledge

Ambry Genetics
Classification: Uncertain significance for Inborn genetic diseases. Last evaluated: 2021-06-08. Review status: criteria provided, single submitter. Criteria: Ambry Variant Classification Scheme 2023. Collection method: clinical testing. Allele origin: germline.
Comment: The c.4507G>A (p.D1503N) alteration is located in exon 18 (coding exon 18) of the ARID1B gene. This alteration results from a G to A substitution at nucleotide position 4507, causing the aspartic acid (D) at amino acid position 1503 to be replaced by an asparagine (N). The p.D1503N alteration is predicted to be tolerated by in silico analysis. Based on insufficient or conflicting evidence, the clinical significance of this alteration remains unclear.